The following is an entry in ClinVar:

ClinVar aggregate classification (germline): Uncertain significance (1 of 4 stars; one submission).

Conditions:
Immunodeficiency-centromeric instability-facial anomalies syndrome 2 (ICF2). Identifiers: Orphanet 2268, MedGen C3279748, MONDO:0013553, OMIM 614069.

Allele frequency attached by ClinVar (database versions not stated): gnomAD 0.00001; gnomAD exomes 0.00001; ExAC 0.00002; TOPMed 0.00003.
gnomAD v4.1: 9 of 1,614,094 alleles (0.00056%); highest among the groups gnomAD compares: Non-Finnish European, 0.00068%; no homozygotes.

Submission:

Labcorp Genetics (formerly Invitae), Labcorp
Classification: Uncertain significance for Immunodeficiency-centromeric instability-facial anomalies syndrome 2. Last evaluated: 2021-10-11. Review status: criteria provided, single submitter. Criteria: Invitae Variant Classification Sherloc (09022015). Collection method: clinical testing. Allele origin: germline.
Comment: This sequence change replaces valine with leucine at codon 147 of the ZBTB24 protein (p.Val147Leu). The valine residue is highly conserved and there is a small physicochemical difference between valine and leucine. This variant is present in population databases (rs766594494, ExAC 0.003%). This variant has not been reported in the literature in individuals affected with ZBTB24-related conditions. Algorithms developed to predict the effect of missense changes on protein structure and function (SIFT, PolyPhen-2, Align-GVGD) all suggest that this variant is likely to be tolerated. In summary, the available evidence is currently insufficient to determine the role of this variant in disease. Therefore, it has been classified as a Variant of Uncertain Significance.

NM_014797.3(ZBTB24):c.439G>T (p.Val147Leu)

Gene: ZBTB24 (zinc finger and BTB domain containing 24; minus strand). Cytogenetic location: 6q21.
Variant type: single nucleotide variant.
Coding change: c.439G>T on transcript NM_014797.3 (MANE Select); coding-DNA position 439, G replaced by T.
Protein change: p.Val147Leu; replaces valine 147 with leucine.
Molecular consequence: missense variant.
Genome position (GRCh38, 1-based): chr6:109,481,588, C>A on the plus strand (G>T on the coding strand, the complement: ZBTB24 is on the minus strand). VCF-style: chr6-109481588-C-A. GRCh37 (hg19) VCF-style: chr6-109802791-C-A.
Other names: c.439G>T, p.Val147Leu (NM_001164313.2); short protein forms V147L.
Identifiers: ClinVar variation 539529 (VCV000539529.6), dbSNP rs766594494, ClinGen allele CA3954345.
Genomic context (GRCh38, chr6:109,481,588, plus strand): 5'-TTTTTGGTCTTCCCCGTTTCCGCTTTGGAGGATCGTTTTTCTTATTAGAGATAACAACCA[C>A]TGGGGCACCAGCAGTGTTCAAAGTTGTTGGCTTTGGGGAGCTATGATTATTTTGGAAGTC-3'
Protein context (NP_055612.2, residues 137-157): PTTLNTAGAP[Val147Leu]VVISNKKNDP